The following is an entry in ClinVar:

ClinVar aggregate classification (germline): Uncertain significance (1 of 4 stars; one submission).

Conditions:
Hereditary cancer-predisposing syndrome. Also called: Neoplastic Syndromes, Hereditary; Tumor predisposition; Hereditary neoplastic syndrome; Hereditary Cancer Syndrome. Identifiers: Orphanet 140162, MedGen C0027672, MeSH D009386, MONDO:0015356.

Submission:

Ambry Genetics
Classification: Uncertain significance for Hereditary cancer-predisposing syndrome. Last evaluated: 2023-01-17. Review status: criteria provided, single submitter. Criteria: Ambry Variant Classification Scheme 2023. Collection method: clinical testing. Allele origin: germline.
Comment: The p.L316S variant (also known as c.947T>C), located in coding exon 10 of the NF2 gene, results from a T to C substitution at nucleotide position 947. The leucine at codon 316 is replaced by serine, an amino acid with dissimilar properties. This amino acid position is conserved. In addition, the in silico prediction for this alteration is inconclusive. Since supporting evidence is limited at this time, the clinical significance of this alteration remains unclear.

NM_000268.4(NF2):c.947T>C (p.Leu316Ser)

Gene: NF2 (NF2, moesin-ezrin-radixin like (MERLIN) tumor suppressor; plus strand). Cytogenetic location: 22q12.2.
Variant type: single nucleotide variant.
Coding change: c.947T>C on transcript NM_000268.4 (MANE Select); coding-DNA position 947, T replaced by C.
Protein change: p.Leu316Ser; replaces leucine 316 with serine.
Molecular consequence: missense variant. On other transcripts: non-coding transcript variant (1), intron variant (1).
Genome position (GRCh38, 1-based): chr22:29,668,394, T>C. VCF-style: chr22-29668394-T-C. GRCh37 (hg19) VCF-style: chr22-30064383-T-C.
Other names: c.833T>C, p.Leu278Ser (NM_001407053.1, NM_001407056.1); c.824T>C, p.Leu275Ser (NM_001407054.1, NM_001407058.1, NM_181829.3); c.821T>C, p.Leu274Ser (NM_001407055.1, NM_181828.3); c.812T>C, p.Leu271Ser (NM_001407057.1, NM_001407059.1); c.947T>C, p.Leu316Ser (NM_001407060.1, NM_001407066.1, NM_016418.5 and 2 more transcripts); c.689T>C, p.Leu230Ser (NM_001407062.1); c.698T>C, p.Leu233Ser (NM_001407063.1, NM_001407064.1, NM_181830.3 and 1 more transcripts); c.413T>C, p.Leu138Ser (NM_001407065.1); and 2 more; short protein forms L138S, L230S, L233S, L239S, L271S, L274S, L275S, L278S.
Identifiers: ClinVar variation 3231117 (VCV003231117.1), dbSNP rs750633919, ClinGen allele CA411145878.